The following is an entry in ClinVar:

NM_007078.3(LDB3):c.567G>A (p.Ser189=)

Gene: LDB3 (LIM domain binding 3; plus strand). Cytogenetic location: 10q23.2.
Variant type: single nucleotide variant.
Coding change: c.567G>A on transcript NM_007078.3 (MANE Select); coding-DNA position 567, G replaced by A.
Protein change: p.Ser189=; no amino-acid change (serine 189 retained).
Molecular consequence: synonymous variant. On other transcripts: intron variant (5).
Genome position (GRCh38, 1-based): chr10:86,681,681, G>A. VCF-style: chr10-86681681-G-A. GRCh37 (hg19) VCF-style: chr10-88441438-G-A.
Other names: c.567G>A, p.Ser189= (NM_001080115.2, NM_001171610.2, NM_001171611.2 and 3 more transcripts); c.321+1524G>A (NM_001368068.1, NM_001368066.1, NM_001080114.2 and 2 more transcripts).
Identifiers: ClinVar variation 515877 (VCV000515877.12), dbSNP rs778777214, ClinGen allele CA5584742.

ClinVar aggregate classification (germline): Likely benign. Review status: criteria provided, multiple submitters, no conflicts (2 of 4 stars). 3 submissions from 3 submitters: Likely benign (3). Last evaluated 2024-12-20.

Conditions:
Cardiovascular phenotype. Identifiers: MedGen CN230736.
Myofibrillar myopathy 4. Also called: Zaspopathy (type). Identifiers: Orphanet 98912, MedGen C4721886, MONDO:0012277, OMIM 609452.

Allele frequency attached by ClinVar (database versions not stated): TOPMed 0.00002; gnomAD 0.00003.
gnomAD v4.1: 41 of 1,613,322 alleles (0.0025%); highest among the groups gnomAD compares: East Asian, 0.0067%; no homozygotes.

Submissions (3):

Labcorp Genetics (formerly Invitae), Labcorp
Classification: Likely benign for Myofibrillar myopathy 4. Last evaluated: 2024-12-20. Review status: criteria provided, single submitter. Criteria: Invitae Variant Classification Sherloc (09022015). Collection method: clinical testing. Allele origin: germline.

Ambry Genetics
Classification: Likely benign for Cardiovascular phenotype. Last evaluated: 2020-06-17. Review status: criteria provided, single submitter. Criteria: Ambry Variant Classification Scheme 2023. Collection method: clinical testing. Allele origin: germline.

GeneDx
Classification: Likely benign. Last evaluated: 2018-03-05. Review status: criteria provided, single submitter. Criteria: GeneDx Variant Classification (06012015). Collection method: clinical testing. Allele origin: germline. Affected: yes.
Comment: This variant is considered likely benign or benign based on one or more of the following criteria: it is a conservative change, it occurs at a poorly conserved position in the protein, it is predicted to be benign by multiple in silico algorithms, and/or has population frequency not consistent with disease.